The following is an entry in ClinVar:

NM_001033046.4(CYBC1):c.444-12G>A

Gene: CYBC1 (cytochrome b-245 chaperone 1; minus strand). Cytogenetic location: 17q25.3.
Variant type: single nucleotide variant.
Coding change: c.444-12G>A on transcript NM_001033046.4 (MANE Select); 12 bases into the intron before coding-DNA position 444, G replaced by A.
Molecular consequence: intron variant.
Genome position (GRCh38, 1-based): chr17:82,444,136, C>T on the plus strand (G>A on the coding strand, the complement: CYBC1 is on the minus strand). VCF-style: chr17-82444136-C-T. GRCh37 (hg19) VCF-style: chr17-80402012-C-T.
Other names: c.402-12G>A (NM_001100408.3); c.444-12G>A (NM_001100407.3, NM_001193657.2, NM_001193654.2 and 2 more transcripts).
Identifiers: ClinVar variation 2955304 (VCV002955304.3), dbSNP rs767051319, ClinGen allele CA8858171.
Genomic context (GRCh38, chr17:82,444,136, plus strand): 5'-GTGCAGCTCCAGGAAGCTGGTGATGAGCTTGGCGATGGCTTCCACATCACTGGGCGAGGC[C>T]GGCAACGGGAGGAAGGTCAGGTCACCTCGGCATAGGGCACCGTGAGACCCCACAGCAGTC-3'

ClinVar aggregate classification (germline): Uncertain significance (1 of 4 stars; one submission).

Allele frequency attached by ClinVar (database versions not stated): gnomAD exomes 0.00002; ExAC 0.00003; gnomAD 0.00011; TOPMed 0.00011.

Submission:

Labcorp Genetics (formerly Invitae), Labcorp
Classification: Uncertain significance. Last evaluated: 2023-05-21. Review status: criteria provided, single submitter. Criteria: Invitae Variant Classification Sherloc (09022015). Collection method: clinical testing. Allele origin: germline.
Comment: Algorithms developed to predict the effect of sequence changes on RNA splicing suggest that this variant may disrupt the consensus splice site. This variant has not been reported in the literature in individuals affected with C17orf62-related conditions. This variant is present in population databases (rs767051319, gnomAD 0.03%). This sequence change falls in intron 6 of the C17orf62 gene. It does not directly change the encoded amino acid sequence of the C17orf62 protein. In summary, the available evidence is currently insufficient to determine the role of this variant in disease. Therefore, it has been classified as a Variant of Uncertain Significance.